The following is an entry in ClinVar:

NM_001851.6(COL9A1):c.801+11G>C

Gene: COL9A1 (collagen type IX alpha 1 chain; minus strand). Cytogenetic location: 6q13.
Variant type: single nucleotide variant.
Coding change: c.801+11G>C on transcript NM_001851.6 (MANE Select); 11 bases into the intron after coding-DNA position 801, G replaced by C.
Molecular consequence: intron variant.
Genome position (GRCh38, 1-based): chr6:70,282,887, C>G on the plus strand (G>C on the coding strand, the complement: COL9A1 is on the minus strand). VCF-style: chr6-70282887-C-G. GRCh37 (hg19) VCF-style: chr6-70992590-C-G.
Other names: c.72+94G>C (NM_001377290.1, NM_078485.4, NM_001377289.1); c.801+11G>C (NM_001377291.1).
Identifiers: ClinVar variation 258360 (VCV000258360.13), dbSNP rs200305129, ClinGen allele CA3882679.

ClinVar aggregate classification (germline): Benign/Likely benign. Review status: criteria provided, multiple submitters, no conflicts (2 of 4 stars). 4 submissions from 4 submitters: Benign (1); Likely benign (3). Last evaluated 2026-02-01.

Allele frequency attached by ClinVar (database versions not stated): 1000 Genomes Project 30x 0.00078; 1000 Genomes Project 0.00080; ESP Exome Variant Server 0.00108; gnomAD 0.00113 and 0.00114; TOPMed 0.00119.
gnomAD v4.1: 2,812 of 1,614,182 alleles (0.17%); highest among the groups gnomAD compares: Middle Eastern, 0.25%; 4 homozygotes.

Submissions (4):

Labcorp Genetics (formerly Invitae), Labcorp
Classification: Benign. Last evaluated: 2026-02-01. Review status: criteria provided, single submitter. Criteria: Invitae Variant Classification Sherloc (09022015). Collection method: clinical testing. Allele origin: germline.

Blueprint Genetics
Classification: Likely benign. Last evaluated: 2024-11-22. Review status: criteria provided, single submitter. Criteria: ACMG Guidelines, 2015. Collection method: clinical testing. Allele origin: germline.

GeneDx
Classification: Likely benign. Last evaluated: 2017-11-30. Review status: criteria provided, single submitter. Criteria: GeneDx Variant Classification (06012015). Collection method: clinical testing. Allele origin: germline. Affected: yes.
Comment: This variant is considered likely benign or benign based on one or more of the following criteria: it is a conservative change, it occurs at a poorly conserved position in the protein, it is predicted to be benign by multiple in silico algorithms, and/or has population frequency not consistent with disease.

PreventionGenetics, part of Exact Sciences
Classification: Likely benign. Review status: criteria provided, single submitter. Criteria: ACMG Guidelines, 2015. Collection method: clinical testing. Allele origin: germline.